The following is an entry in ClinVar:

NM_000257.4(MYH7):c.1230C>T (p.Tyr410=)

Gene: MYH7 (myosin heavy chain 7; minus strand). Cytogenetic location: 14q11.2.
Variant type: single nucleotide variant.
Coding change: c.1230C>T on transcript NM_000257.4 (MANE Select); coding-DNA position 1230, C replaced by T.
Protein change: p.Tyr410=; no amino-acid change (tyrosine 410 retained).
Molecular consequence: synonymous variant.
Genome position (GRCh38, 1-based): chr14:23,429,256, G>A on the plus strand (C>T on the coding strand, the complement: MYH7 is on the minus strand). VCF-style: chr14-23429256-G-A. GRCh37 (hg19) VCF-style: chr14-23898465-G-A.
Identifiers: ClinVar variation 138392 (VCV000138392.60), dbSNP rs150885220, ClinGen allele CA010401.

ClinVar aggregate classification (germline): Benign/Likely benign. Review status: criteria provided, multiple submitters, no conflicts (2 of 4 stars). 12 submissions from 12 submitters: Benign (3); Likely benign (5). 4 of the submissions do not count toward it. Last evaluated 2026-07-01.

Conditions:
Cardiovascular phenotype. Identifiers: MedGen CN230736.
Cardiomyopathy (CMYO). Also called: Cardiomyopathies. Identifiers: Orphanet 167848, MedGen C0878544, MONDO:0004994, HP:0001638. Inheritance: Various modes of inheritance.
Hypertrophic cardiomyopathy. Also called: HYPERTROPHIC MYOCARDIOPATHY. Identifiers: Orphanet 217569, MedGen C0007194, MeSH D002312, MONDO:0005045, HP:0001639.

Allele frequency attached by ClinVar (database versions not stated): ESP Exome Variant Server 0.00015; TOPMed 0.00015; 1000 Genomes Project 30x 0.00016; 1000 Genomes Project 0.00020; gnomAD 0.00061.
gnomAD v4.1: 307 of 1,614,206 alleles (0.019%); highest among the groups gnomAD compares: Admixed American, 0.012%; 2 homozygotes.

Submissions (12):

CeGaT Center for Human Genetics Tuebingen
Classification: Likely benign. Last evaluated: 2026-07-01. Review status: criteria provided, single submitter. Criteria: CeGaT Center For Human Genetics Tuebingen Variant Classification Criteria Version 2. Collection method: clinical testing. Allele origin: germline. Affected: yes. Observed: 5 variant alleles.
Comment: MYH7: BP4, BP7

Labcorp Genetics (formerly Invitae), Labcorp
Classification: Likely benign for Hypertrophic cardiomyopathy. Last evaluated: 2026-01-24. Review status: criteria provided, single submitter. Criteria: Invitae Variant Classification Sherloc (09022015). Collection method: clinical testing. Allele origin: germline.

Molecular Diagnostic Laboratory for Inherited Cardiovascular Disease, Montreal Heart Institute
Classification: Likely benign. Last evaluated: 2025-04-09. Review status: criteria provided, single submitter. Criteria: ACMG Guidelines, 2015. Collection method: clinical testing. Allele origin: germline. Affected: no.

Blueprint Genetics
Classification: Likely benign. Last evaluated: 2024-11-07. Review status: criteria provided, single submitter. Criteria: ACMG Guidelines, 2015. Collection method: clinical testing. Allele origin: germline.

All of Us Research Program, National Institutes of Health
Classification: Benign for Cardiomyopathy. Last evaluated: 2024-02-05. Review status: criteria provided, single submitter. Criteria: ACMG Guidelines, 2015. Collection method: clinical testing. Allele origin: germline. Inheritance: Autosomal dominant inheritance. Observed: 38 variant alleles, 38 heterozygotes.
Comment: This study involves interpretation of variants in research participants for the purpose of population health screening. Participant phenotype was not available at the time of variant classification. Additional details can be found in publication PMID: 35346344, PMCID: PMC8962531

Ambry Genetics
Classification: Likely benign for Cardiovascular phenotype. Last evaluated: 2019-01-28. Review status: criteria provided, single submitter. Criteria: Ambry Variant Classification Scheme 2023. Collection method: clinical testing. Allele origin: germline.

Color Diagnostics, LLC DBA Color Health
Classification: Benign for Cardiomyopathy. Last evaluated: 2018-12-04. Review status: criteria provided, single submitter. Criteria: ACMG Guidelines, 2015. Collection method: clinical testing. Allele origin: germline.

GeneDx
Classification: Benign. Last evaluated: 2013-02-20. Review status: criteria provided, single submitter. Criteria: GeneDx Variant Classification (06012015). Collection method: clinical testing. Allele origin: germline. Affected: yes.
Comment: This variant is considered likely benign or benign based on one or more of the following criteria: it is a conservative change, it occurs at a poorly conserved position in the protein, it is predicted to be benign by multiple in silico algorithms, and/or has population frequency not consistent with disease.

Clinical Genetics, Academic Medical Center
Classification: Benign. Review status: no assertion criteria provided. Collection method: clinical testing. Allele origin: germline. Affected: yes. Study: VKGL Data-share Consensus. Not counted in ClinVar's aggregate classification.

Diagnostic Laboratory, Department of Genetics, University Medical Center Groningen
Classification: Likely benign. Review status: no assertion criteria provided. Collection method: clinical testing. Allele origin: germline. Affected: yes. Study: VKGL Data-share Consensus. Not counted in ClinVar's aggregate classification.

Genome Diagnostics Laboratory, University Medical Center Utrecht
Classification: Likely benign. Review status: no assertion criteria provided. Collection method: clinical testing. Allele origin: germline. Affected: yes. Study: VKGL Data-share Consensus. Not counted in ClinVar's aggregate classification.

Joint Genome Diagnostic Labs from Nijmegen and Maastricht, Radboudumc and MUMC+
Classification: Likely benign. Review status: no assertion criteria provided. Collection method: clinical testing. Allele origin: germline. Affected: yes. Study: VKGL Data-share Consensus. Not counted in ClinVar's aggregate classification.